The following is an entry in ClinVar:

NM_001943.5(DSG2):c.893C>G (p.Ala298Gly)

Gene: DSG2 (desmoglein 2; plus strand). Cytogenetic location: 18q12.1.
Variant type: single nucleotide variant.
Coding change: c.893C>G on transcript NM_001943.5 (MANE Select); coding-DNA position 893, C replaced by G.
Protein change: p.Ala298Gly; replaces alanine 298 with glycine.
Molecular consequence: missense variant.
Genome position (GRCh38, 1-based): chr18:31,524,767, C>G. VCF-style: chr18-31524767-C-G. GRCh37 (hg19) VCF-style: chr18-29104730-C-G.
Other names: short protein forms A298G.
Identifiers: ClinVar variation 922469 (VCV000922469.7), dbSNP rs1356039985, ClinGen allele CA402135596.
Genomic context (GRCh38, chr18:31,524,767, plus strand): 5'-AAGGGATGGTTGAAGAAAATCAAGTCAACGTAGAAGTTACGCGCATAAAAGTGTTCGATG[C>G]AGATGAAATAGGTTCTGATAATTGGCTGGCAAATTTTACATTTGCATCAGGAAATGAAGG-3'
Protein context (NP_001934.2, residues 288-308): VEVTRIKVFD[Ala298Gly]DEIGSDNWLA

ClinVar aggregate classification (germline): Uncertain significance. Review status: criteria provided, multiple submitters, no conflicts (2 of 4 stars). 3 submissions from 3 submitters: Uncertain significance (3). Last evaluated 2024-03-06.

Conditions:
Arrhythmogenic right ventricular cardiomyopathy (ARVD). Also called: Arrhythmogenic cardiomyopathy; Cardiomyopathy, ARVC; Arrhythmogenic right ventricular dysplasia; Arrhythmogenic Right Ventricular Cardiomyopathy (ARVC). Identifiers: Orphanet 247, MedGen C0349788, MeSH D019571, MONDO:0016587. Disease mechanism: loss of function. Inheritance: Various modes of inheritance.
Cardiomyopathy (CMYO). Also called: Cardiomyopathies. Identifiers: Orphanet 167848, MedGen C0878544, MONDO:0004994, HP:0001638. Inheritance: Various modes of inheritance.

Submissions (3):

Color Diagnostics, LLC DBA Color Health
Classification: Uncertain significance for Cardiomyopathy. Last evaluated: 2024-03-06. Review status: criteria provided, single submitter. Criteria: ACMG Guidelines, 2015. Collection method: clinical testing. Allele origin: germline.
Comment: This missense variant replaces alanine with glycine at codon 298 of the DSG2 protein. Computational prediction suggests that this variant may not impact protein structure and function (internally defined REVEL score threshold <= 0.5, PMID: 27666373). To our knowledge, functional studies have not been reported for this variant. This variant has not been reported in individuals affected with cardiovascular disorders in the literature. This variant has not been identified in the general population by the Genome Aggregation Database (gnomAD). The available evidence is insufficient to determine the role of this variant in disease conclusively. Therefore, this variant is classified as a Variant of Uncertain Significance.

All of Us Research Program, National Institutes of Health
Classification: Uncertain significance for Arrhythmogenic right ventricular cardiomyopathy. Last evaluated: 2023-08-15. Review status: criteria provided, single submitter. Criteria: ACMG Guidelines, 2015. Collection method: clinical testing. Allele origin: germline. Inheritance: Autosomal dominant inheritance. Observed: 1 variant allele, 1 heterozygote.
Comment: This missense variant replaces alanine with glycine at codon 298 of the DSG2 protein. Computational prediction suggests that this variant may not impact protein structure and function (internally defined REVEL score threshold <= 0.5, PMID: 27666373). To our knowledge, functional studies have not been reported for this variant. This variant has not been reported in individuals affected with cardiovascular disorders in the literature. This variant has not been identified in the general population by the Genome Aggregation Database (gnomAD). The available evidence is insufficient to determine the role of this variant in disease conclusively. Therefore, this variant is classified as a Variant of Uncertain Significance.

This study involves interpretation of variants in research participants for the purpose of population health screening. Participant phenotype was not available at the time of variant classification. Additional details can be found in publication PMID: 35346344, PMCID: PMC8962531

GeneDx
Classification: Uncertain significance. Last evaluated: 2019-07-22. Review status: criteria provided, single submitter. Criteria: GeneDx Variant Classification Process June 2021. Collection method: clinical testing. Allele origin: germline. Affected: yes.
Comment: Has not been previously published as pathogenic or benign to our knowledge; Not observed in large population cohorts (Lek et al., 2016); In silico analysis, which includes protein predictors and evolutionary conservation, supports that this variant does not alter protein structure/function